The following is an entry in ClinVar:

NM_175634.3(RUNX1T1):c.840_841insATTG (p.Gly281fs)

Gene: RUNX1T1 (RUNX1 partner transcriptional co-repressor 1; minus strand). Cytogenetic location: 8q21.3.
Variant type: Insertion.
Coding change: c.840_841insATTG on transcript NM_175634.3 (MANE Select); coding-DNA positions 840 to 841, ATTG inserted.
Protein change: p.Gly281fs; shifts the reading frame from glycine 281.
Molecular consequence: frameshift variant.
Genome position: GRCh38 VCF-style: chr8-91991789-C-CCAAT. GRCh37 (hg19) VCF-style: chr8-93004017-C-CCAAT.
Other names: c.759_760insATTG, p.Gly254fs (NM_001198625.2, NM_001198632.2, NM_004349.4); c.840_841insATTG, p.Gly281fs (NM_001198626.2, NM_001198627.2, NM_001198628.2 and 3 more transcripts); c.780_781insATTG, p.Gly261fs (NM_001198633.2); c.873_874insATTG, p.Gly292fs (NM_001198634.2); c.1017_1018insATTG, p.Gly340fs (NM_001198679.3); c.924_925insATTG, p.Gly309fs (NM_001395209.1); c.729_730insATTG, p.Gly244fs (NM_175635.3, NM_175636.2); short protein forms G244fs, G254fs, G261fs, G281fs, G292fs, G309fs, G340fs.
Identifiers: ClinVar variation 3381422 (VCV003381422.1).
Genomic context (GRCh38, chr8:91,991,789, plus strand): 5'-GGTAATGCTGAGGTGGAGGTGGGGTAGGGTGAGGCAGGCCATTGGGCTGGTAGGATAAGC[C>CCAAT]GTTATTTGGACTGTACCGCTGGCCTGGGCTAATAGTGCATGGTCGCTTGCTTGGATGTTC-3'

ClinVar aggregate classification (germline): Uncertain significance (1 of 4 stars; one submission).

Submission:

GeneDx
Classification: Uncertain significance. Last evaluated: 2022-04-04. Review status: criteria provided, single submitter. Criteria: GeneDx Variant Classification Process June 2021. Collection method: clinical testing. Allele origin: germline. Affected: yes.
Comment: Not observed at significant frequency in large population cohorts (gnomAD); Frameshift variant predicted to result in protein truncation or nonsense-mediated decay in a gene or region of a gene for which loss of function is not a well-established mechanism of disease; Variants in candidate genes are classified as variants of uncertain significance in accordance with ACMG guidelines (Richards et al., 2015)